The following is an entry in ClinVar:

ClinVar aggregate classification (germline): Pathogenic (1 of 4 stars; one submission).

Conditions:
Capillary malformation-arteriovenous malformation syndrome. Also called: Capillary malformation-arteriovenous malformation. Identifiers: Orphanet 137667, MedGen C1842180, MONDO:0012016.

Submission:

Labcorp Genetics (formerly Invitae), Labcorp
Classification: Pathogenic for Capillary malformation-arteriovenous malformation syndrome. Last evaluated: 2021-08-02. Review status: criteria provided, single submitter. Criteria: Invitae Variant Classification Sherloc (09022015). Collection method: clinical testing. Allele origin: germline.
Comment: For these reasons, this variant has been classified as Pathogenic. Loss-of-function variants in RASA1 are known to be pathogenic (PMID: 24038909). This frameshift variant has been observed in individual(s) with capillary malformation-arteriovenous malformation (PMID: 23687085). This variant is not present in population databases (ExAC no frequency). This sequence change creates a premature translational stop signal (p.Asn976Metfs*20) in the RASA1 gene. It is expected to result in an absent or disrupted protein product.

Literature cited by the submitters: PubMed 24038909; PubMed 23687085.

NM_002890.3(RASA1):c.2920del (p.Asn976fs)

Genes: CCNH (cyclin H; minus strand), RASA1 (RAS p21 protein activator 1; plus strand). Cytogenetic location: 5q14.3.
Variant type: Deletion.
Coding change: c.2920del on transcript NM_002890.3 (MANE Select); coding-DNA position 2920, one base deleted (C; older notation c.2920delC).
Protein change: p.Asn976fs; shifts the reading frame from asparagine 976.
Molecular consequence: frameshift variant. On other transcripts: intron variant (1).
Genome position (GRCh38, 1-based): chr5:87,386,898, C deleted. VCF-style (leftmost placement, unchanged base first): chr5-87386897-AC-A. GRCh37 (hg19) VCF-style: chr5-86682714-AC-A.
Other names: c.2389del, p.Asn799fs (NM_022650.3); c.933+8146del (NM_001364075.2); short protein forms N799fs, N976fs.
Identifiers: ClinVar variation 1072333 (VCV001072333.9), dbSNP rs2112517308, ClinGen allele CA2499217975.